The following is an entry in ClinVar:

ClinVar aggregate classification (germline): Pathogenic. Review status: criteria provided, single submitter (1 of 4 stars). 2 submissions from 2 submitters: Pathogenic (1). 1 of the submissions does not count toward it. Last evaluated 2019-05-23.

Conditions:
Alagille syndrome due to a JAG1 point mutation. Also called: HEPATIC DUCTULAR HYPOPLASIA, SYNDROMATIC; Alagille Syndrome 1; JAG1-Related Alagille Syndrome. Identifiers: Orphanet 261619, Orphanet 52, MedGen C1956125, MONDO:0016862, OMIM 118450.
JAG1-related disorder. Also called: JAG1-related disorders; JAG1-related condition.

Submissions (2):

Labcorp Genetics (formerly Invitae), Labcorp
Classification: Pathogenic for Alagille syndrome due to a JAG1 point mutation. Last evaluated: 2019-05-23. Review status: criteria provided, single submitter. Criteria: Invitae Variant Classification Sherloc (09022015). Collection method: clinical testing. Allele origin: germline.
Comment: This variant disrupts the c.1720 nucleotide in the JAG1 gene. Other variant(s) that disrupt this nucleotide have been determined to be pathogenic (PMID: 27256232). This suggests that this nucleotide is clinically-significant, and that variants that disrupt this position are likely to be disease-causing. This sequence change replaces valine with leucine at codon 574 of the JAG1 protein (p.Val574Leu). The valine residue is highly conserved and there is a small physicochemical difference between valine and leucine. This variant also falls at the last nucleotide of exon 13 of the JAG1 coding sequence, which is part of the consensus splice site for this exon. This variant is not present in population databases (ExAC no frequency). This variant has been observed to be de novo in an individual affected with Alagille syndrome (PMID: 17949281). Algorithms developed to predict the effect of missense changes on protein structure and function (SIFT, PolyPhen-2, Align-GVGD) all suggest that this variant is likely to be disruptive, but these predictions have not been confirmed by published functional studies and their clinical significance is uncertain. Nucleotide substitutions within the consensus splice site are a relatively common cause of aberrant splicing (PMID: 17576681, 9536098). Algorithms developed to predict the effect of sequence changes on RNA splicing suggest that this variant may disrupt the consensus splice site, but this prediction has not been confirmed by published transcriptional studies. For these reasons, this variant has been classified as Pathogenic.

PreventionGenetics, part of Exact Sciences
Classification: Likely pathogenic for JAG1-related condition. Last evaluated: 2023-12-19. Review status: no assertion criteria provided. Collection method: clinical testing. Allele origin: germline. Not counted in ClinVar's aggregate classification.
Comment: The JAG1 c.1720G>C variant is predicted to result in the amino acid substitution p.Val574Leu. This variant was reported presumably de novo in an individual with Alagille syndrome (Samejima et al. 2007. PubMed ID: 17949281). This variant has not been reported in a large population database, indicating this variant is rare. A different nucleotide substitution affecting the same amino acid (c.1720G>A, p.Val574Met) has been reported in an individual with Alagille syndrome (Gao et al. 2016. PubMed ID: 27256232). Both c.1720G>C and c.1720G>A variants affect the last nucleotide of an exon and are predicted to alter splicing based on available splicing prediction programs (Alamut Visual Plus v1.6.1). Taken together, the c.1720G>C (p.Val574Leu) variant is interpreted as likely pathogenic.

Literature cited by the submitters: PubMed 27256232 (cited by Labcorp Genetics (formerly Invitae), Labcorp); PubMed 17949281 (cited by Labcorp Genetics (formerly Invitae), Labcorp); PubMed 17576681 (cited by Labcorp Genetics (formerly Invitae), Labcorp); PubMed 9536098 (cited by Labcorp Genetics (formerly Invitae), Labcorp).

NM_000214.3(JAG1):c.1720G>C (p.Val574Leu)

Gene: JAG1 (jagged canonical Notch ligand 1; minus strand). Cytogenetic location: 20p12.2.
Variant type: single nucleotide variant.
Coding change: c.1720G>C on transcript NM_000214.3 (MANE Select); coding-DNA position 1720, G replaced by C.
Protein change: p.Val574Leu; replaces valine 574 with leucine.
Molecular consequence: missense variant.
Genome position (GRCh38, 1-based): chr20:10,647,960, C>G on the plus strand (G>C on the coding strand, the complement: JAG1 is on the minus strand). VCF-style: chr20-10647960-C-G. GRCh37 (hg19) VCF-style: chr20-10628608-C-G.
Other names: short protein forms V574L.
Identifiers: ClinVar variation 948194 (VCV000948194.11), dbSNP rs2067320699, ClinGen allele CA408236697.